The following is an entry in ClinVar:

ClinVar aggregate classification (germline): Uncertain significance (1 of 4 stars; one submission).

Conditions:
Hereditary cancer-predisposing syndrome. Also called: Neoplastic Syndromes, Hereditary; Tumor predisposition; Hereditary neoplastic syndrome; Hereditary Cancer Syndrome. Identifiers: Orphanet 140162, MedGen C0027672, MeSH D009386, MONDO:0015356.

Submission:

Ambry Genetics
Classification: Uncertain significance for Hereditary cancer-predisposing syndrome. Last evaluated: 2026-07-06. Review status: criteria provided, single submitter. Criteria: Ambry Variant Classification Scheme 2023. Collection method: clinical testing. Allele origin: germline.
Comment: The p.A166G variant (also known as c.497C>G), located in coding exon 3 of the PHOX2B gene, results from a C to G substitution at nucleotide position 497. The alanine at codon 166 is replaced by glycine, an amino acid with similar properties. This amino acid position is conserved. In addition, this alteration is predicted to be tolerated by in silico analysis. Based on the available evidence, the clinical significance of this variant remains unclear.

NM_003924.4(PHOX2B):c.497C>G (p.Ala166Gly)

Gene: PHOX2B (paired like homeobox 2B; minus strand). Cytogenetic location: 4p13.
Variant type: single nucleotide variant.
Coding change: c.497C>G on transcript NM_003924.4 (MANE Select); coding-DNA position 497, C replaced by G.
Protein change: p.Ala166Gly; replaces alanine 166 with glycine.
Molecular consequence: missense variant.
Genome position (GRCh38, 1-based): chr4:41,746,255, G>C on the plus strand (C>G on the coding strand, the complement: PHOX2B is on the minus strand). VCF-style: chr4-41746255-G-C. GRCh37 (hg19) VCF-style: chr4-41748272-G-C.
Other names: short protein forms A166G.
Identifiers: ClinVar variation 5026517 (VCV005026517.1).
Genomic context (GRCh38, chr4:41,746,255, plus strand): 5'-TCTTTGCTCTCGTCGTCCCTGGAAGAGTCAGACTTTTTGCCCGAGGAGCCGTTCTTGGCC[G>C]CGGCCGCTGCGGCTGCCGCTGCGCGCTCCTGCTTGCGAAACTTGGCGCGGCGGTTCTGGA-3'
Protein context (NP_003915.2, residues 156-176): QERAAAAAAA[Ala166Gly]AKNGSSGKKS